The following is an entry in ClinVar:

ClinVar aggregate classification (germline): Pathogenic (1 of 4 stars; one submission).

Conditions:
Spondyloepiphyseal dysplasia tarda (SEDT). Also called: SPONDYLOEPIPHYSEAL DYSPLASIA, LATE. Identifiers: Orphanet 93284, MedGen CN033239, MONDO:0019667.

Submission:

Department of Pediatrics, Tongji Hospital, Tongji Medical College, Huazhong University of Science and Technology
Classification: Pathogenic for Spondyloepiphyseal dysplasia tarda, X-linked. Last evaluated: 2019-08-15. Review status: criteria provided, single submitter. Criteria: ACMG Guidelines, 2015. Collection method: clinical testing. Allele origin: maternal. Inheritance: X-linked recessive inheritance. Affected: yes. Observed: 3 variant alleles, 3 hemizygotes. Clinical features observed: Disproportionate short stature (HP:0003498), Abnormal form of the vertebral bodies (HP:0003312), Arthralgia/arthritis (HP:0005059).
Comment: This is a Chinese family of short stature. A pedigree analysis of five generations with six affected males (3 of them were deceased) revealed an X-linked recessive mode of inheritance. Affected males were diagnosed with SEDT according to the clinical and radiological features. Next-generation sequencing of genes associated with skeletal disorders was performed. A novel variant of c.216_217del in the exon 4 of TRAPPC2 gene was identified in the proband and other affected males. This variant appeared to be novel, which is not included in the databased including 1000 Genomes, ESP6500, dbSNP, EXAC, HGMD, and Inhouse (MyGenostics), and has not been reported in normal populations. It resulted in the shift of reading frame and early termination of protein translation (p.S73Gfs*15). Based on the ACMG criteria, the novel c.216_217del variant of the TRAPPC2 gene is the pathogenic variant of this SEDT family.

NM_001011658.4(TRAPPC2):c.216_217del (p.Ser73fs)

Genes: OFD1 (OFD1 centriole and centriolar satellite protein; plus strand), TRAPPC2 (trafficking protein particle complex subunit 2; minus strand). Cytogenetic location: Xp22.2.
Variant type: Microsatellite.
Coding change: c.216_217del on transcript NM_001011658.4 (MANE Select); coding-DNA positions 216 to 217, 2 bases deleted (GT; older notation c.216_217delGT).
Protein change: p.Ser73fs; shifts the reading frame from serine 73.
Molecular consequence: frameshift variant.
Genome position (GRCh38, 1-based): chrX:13,716,555-13,716,556, AC deleted on the plus strand (GT on the coding strand, the reverse complement: TRAPPC2 is on the minus strand); deleting any 2 consecutive bases within chrX:13,716,555-13,716,559 gives the same sequence; the c. name uses the placement nearest the transcript's 3' end. VCF-style (leftmost placement, unchanged base first): chrX-13716554-GAC-G. GRCh37 (hg19) VCF-style: chrX-13734673-GAC-G.
Other names: SEDL; c.318_319del, p.Ser107fs (NM_001128835.3); c.216_217del, p.Ser73fs (NM_014563.6); short protein forms S107fs, S73fs.
Identifiers: ClinVar variation 694600 (VCV000694600.2), dbSNP rs2046290303, ClinGen allele CA916083837.